The following is an entry in ClinVar:

NM_000275.3(OCA2):c.1541T>C (p.Ile514Thr)

Gene: OCA2 (OCA2 melanosomal transmembrane protein; minus strand). Cytogenetic location: 15q13.1.
Variant type: single nucleotide variant.
Coding change: c.1541T>C on transcript NM_000275.3 (MANE Select); coding-DNA position 1541, T replaced by C.
Protein change: p.Ile514Thr; replaces isoleucine 514 with threonine.
Molecular consequence: missense variant.
Genome position (GRCh38, 1-based): chr15:27,966,785, A>G on the plus strand (T>C on the coding strand, the complement: OCA2 is on the minus strand). VCF-style: chr15-27966785-A-G. GRCh37 (hg19) VCF-style: chr15-28211931-A-G.
Other names: c.1469T>C, p.Ile490Thr (NM_001300984.2); short protein forms I490T, I514T.
Identifiers: ClinVar variation 2094706 (VCV002094706.1), dbSNP rs142152913, ClinGen allele CA7438996.

ClinVar aggregate classification (germline): Uncertain significance (1 of 4 stars; one submission).

gnomAD v4.1: 3 of 1,613,222 alleles (0.00019%); highest among the groups gnomAD compares: Admixed American, 0.0033%; no homozygotes.

Submission:

Labcorp Genetics (formerly Invitae), Labcorp
Classification: Uncertain significance. Last evaluated: 2022-02-08. Review status: criteria provided, single submitter. Criteria: Invitae Variant Classification Sherloc (09022015). Collection method: clinical testing. Allele origin: germline.
Comment: This sequence change replaces isoleucine, which is neutral and non-polar, with threonine, which is neutral and polar, at codon 514 of the OCA2 protein (p.Ile514Thr). This variant is present in population databases (rs142152913, gnomAD 0.007%). This variant has not been reported in the literature in individuals affected with OCA2-related conditions. Advanced modeling of protein sequence and biophysical properties (such as structural, functional, and spatial information, amino acid conservation, physicochemical variation, residue mobility, and thermodynamic stability) performed at Invitae indicates that this missense variant is not expected to disrupt OCA2 protein function. In summary, the available evidence is currently insufficient to determine the role of this variant in disease. Therefore, it has been classified as a Variant of Uncertain Significance.